The following is an entry in ClinVar:

NM_030667.3(PTPRO):c.2803_2806del (p.Asp935fs)

Gene: PTPRO (protein tyrosine phosphatase receptor type O; plus strand). Cytogenetic location: 12p12.3.
Variant type: Deletion.
Coding change: c.2803_2806del on transcript NM_030667.3 (MANE Select); coding-DNA positions 2803 to 2806, 4 bases deleted (GACT; older notation c.2803_2806delGACT).
Protein change: p.Asp935fs; shifts the reading frame from aspartic acid 935.
Molecular consequence: frameshift variant.
Genome position (GRCh38, 1-based): chr12:15,569,472-15,569,475, GACT deleted; deleting any 4 consecutive bases within chr12:15,569,470-15,569,475 gives the same sequence; the c. name uses the placement nearest the transcript's 3' end. VCF-style (leftmost placement, unchanged base first): chr12-15569469-TCTGA-T. GRCh37 (hg19) VCF-style: chr12-15722403-TCTGA-T.
Other names: c.2719_2722del, p.Asp907fs (NM_002848.4); c.286_289del, p.Asp96fs (NM_030668.3, NM_030670.3); c.370_373del, p.Asp124fs (NM_030669.3, NM_030671.3); short protein forms D124fs, D96fs, D907fs, D935fs.
Identifiers: ClinVar variation 3656259 (VCV003656259.2).

ClinVar aggregate classification (germline): Pathogenic (1 of 4 stars; one submission).

Submission:

Labcorp Genetics (formerly Invitae), Labcorp
Classification: Pathogenic. Last evaluated: 2024-06-11. Review status: criteria provided, single submitter. Criteria: Invitae Variant Classification Sherloc (09022015). Collection method: clinical testing. Allele origin: germline.
Comment: This sequence change creates a premature translational stop signal (p.Asp935Ilefs*10) in the PTPRO gene. It is expected to result in an absent or disrupted protein product. Loss-of-function variants in PTPRO are known to be pathogenic (PMID: 21722858). This variant is not present in population databases (gnomAD no frequency). This variant has not been reported in the literature in individuals affected with PTPRO-related conditions. For these reasons, this variant has been classified as Pathogenic.

Literature cited by the submitters: PubMed 21722858.